The following is an entry in ClinVar:

NM_016151.4(TAOK2):c.764G>A (p.Arg255Gln)

Gene: TAOK2 (TAO kinase 2; plus strand). Cytogenetic location: 16p11.2.
Variant type: single nucleotide variant.
Coding change: c.764G>A on transcript NM_016151.4 (MANE Select); coding-DNA position 764, G replaced by A.
Protein change: p.Arg255Gln; replaces arginine 255 with glutamine.
Molecular consequence: missense variant.
Genome position (GRCh38, 1-based): chr16:29,981,873, G>A. VCF-style: chr16-29981873-G-A. GRCh37 (hg19) VCF-style: chr16-29993194-G-A.
Other names: c.764G>A, p.Arg255Gln (NM_001252043.2, NM_004783.4); short protein forms R255Q.
Identifiers: ClinVar variation 1979931 (VCV001979931.4), dbSNP rs778066032, ClinGen allele CA7997951.

ClinVar aggregate classification (germline): Uncertain significance (1 of 4 stars; one submission).

Allele frequency attached by ClinVar (database versions not stated): TOPMed 0.00001; ExAC 0.00002; gnomAD exomes 0.00002.
gnomAD v4.1: 28 of 1,566,634 alleles (0.0018%); highest among the groups gnomAD compares: Middle Eastern, 0.017%; no homozygotes.

Submission:

Labcorp Genetics (formerly Invitae), Labcorp
Classification: Uncertain significance. Last evaluated: 2024-10-29. Review status: criteria provided, single submitter. Criteria: Invitae Variant Classification Sherloc (09022015). Collection method: clinical testing. Allele origin: germline.
Comment: This sequence change replaces arginine, which is basic and polar, with glutamine, which is neutral and polar, at codon 255 of the TAOK2 protein (p.Arg255Gln). This variant is present in population databases (rs778066032, gnomAD 0.01%). This variant has not been reported in the literature in individuals affected with TAOK2-related conditions. ClinVar contains an entry for this variant (Variation ID: 1979931). An algorithm developed to predict the effect of missense changes on protein structure and function (PolyPhen-2) suggests that this variant is likely to be tolerated. In summary, the available evidence is currently insufficient to determine the role of this variant in disease. Therefore, it has been classified as a Variant of Uncertain Significance.